The following is an entry in ClinVar:

NM_000038.6(APC):c.1159C>G (p.Leu387Val)

Gene: APC (APC regulator of Wnt signaling pathway; plus strand). Cytogenetic location: 5q22.2.
Variant type: single nucleotide variant.
Coding change: c.1159C>G on transcript NM_000038.6 (MANE Select); coding-DNA position 1159, C replaced by G.
Protein change: p.Leu387Val; replaces leucine 387 with valine.
Molecular consequence: missense variant. On other transcripts: intron variant (4).
Genome position (GRCh38, 1-based): chr5:112,819,191, C>G. VCF-style: chr5-112819191-C-G. GRCh37 (hg19) VCF-style: chr5-112154888-C-G.
Other names: c.1159C>G, p.Leu387Val (NM_001127510.3, NM_001354895.2, NM_001354896.2); c.1105C>G, p.Leu369Val (NM_001127511.3); c.1189C>G, p.Leu397Val (NM_001354897.2); c.1084C>G, p.Leu362Val (NM_001354898.2); c.1075C>G, p.Leu359Val (NM_001354899.2); c.982C>G, p.Leu328Val (NM_001354900.2, NM_001354901.2); c.310C>G, p.Leu104Val (NM_001354906.2); c.964-78C>G (NM_001354902.2); and 3 more; short protein forms L359V, L397V, L104V, L387V, L328V, L362V, L369V.
Identifiers: ClinVar variation 818449 (VCV000818449.19), dbSNP rs760312726, ClinGen allele CA026812.
Genomic context (GRCh38, chr5:112,819,191, plus strand): 5'-TCTGTATTGTTGGGAAATTCCCGGGGCAGTAAAGAGGCTCGGGCCAGGGCCAGTGCAGCA[C>G]TCCACAACATCATTCACTCACAGCCTGATGACAAGAGAGGCAGGCGTGAAATCCGAGTCC-3'
Protein context (NP_000029.2, residues 377-397): KEARARASAA[Leu387Val]HNIIHSQPDD

ClinVar aggregate classification (germline): Uncertain significance. Review status: criteria provided, multiple submitters, no conflicts (2 of 4 stars). 4 submissions from 4 submitters: Uncertain significance (4). Last evaluated 2024-07-17.

Conditions:
Hereditary cancer-predisposing syndrome. Also called: Neoplastic Syndromes, Hereditary; Tumor predisposition; Hereditary Cancer Syndrome; Hereditary neoplastic syndrome. Identifiers: Orphanet 140162, MedGen C0027672, MeSH D009386, MONDO:0015356.
Familial adenomatous polyposis 1 (FAP1). Also called: POLYPOSIS, ADENOMATOUS INTESTINAL; FAMILIAL ADENOMATOUS POLYPOSIS 1, ATTENUATED. Identifiers: MedGen C2713442, MONDO:0021056, OMIM 175100. Disease mechanism: loss of function.

Allele frequency attached by ClinVar (database versions not stated): ExAC 0.00001; gnomAD 0.00001; gnomAD exomes 0.00002.
gnomAD v4.1: 27 of 1,613,866 alleles (0.0017%); highest among the groups gnomAD compares: Non-Finnish European, 0.000085%; no homozygotes.

Submissions (4):

Ambry Genetics
Classification: Uncertain significance for Hereditary cancer-predisposing syndrome. Last evaluated: 2024-07-17. Review status: criteria provided, single submitter. Criteria: Ambry Variant Classification Scheme 2023. Collection method: clinical testing. Allele origin: germline.
Comment: The p.L387V variant (also known as c.1159C>G), located in coding exon 9 of the APC gene, results from a C to G substitution at nucleotide position 1159. The leucine at codon 387 is replaced by valine, an amino acid with highly similar properties. This amino acid position is highly conserved in available vertebrate species. In addition, in silico predictors for this gene do not accurately predict pathogenicity. Missense alterations in APC are not a common cause of disease (Spier I et al. Genet Med. 2024 Feb;26(2):100992). Based on the available evidence, the clinical significance of this variant remains unclear.

Labcorp Genetics (formerly Invitae), Labcorp
Classification: Uncertain significance for Familial adenomatous polyposis 1. Last evaluated: 2023-09-03. Review status: criteria provided, single submitter. Criteria: Invitae Variant Classification Sherloc (09022015). Collection method: clinical testing. Allele origin: germline.
Comment: ClinVar contains an entry for this variant (Variation ID: 818449). This variant has not been reported in the literature in individuals affected with APC-related conditions. This variant is present in population databases (rs760312726, gnomAD 0.02%). This sequence change replaces leucine, which is neutral and non-polar, with valine, which is neutral and non-polar, at codon 387 of the APC protein (p.Leu387Val). Advanced modeling of protein sequence and biophysical properties (such as structural, functional, and spatial information, amino acid conservation, physicochemical variation, residue mobility, and thermodynamic stability) performed at Invitae indicates that this missense variant is not expected to disrupt APC protein function. In summary, the available evidence is currently insufficient to determine the role of this variant in disease. Therefore, it has been classified as a Variant of Uncertain Significance.

GeneDx
Classification: Uncertain significance. Last evaluated: 2022-02-25. Review status: criteria provided, single submitter. Criteria: GeneDx Variant Classification Process June 2021. Collection method: clinical testing. Allele origin: germline. Affected: yes.
Comment: Not observed at significant frequency in large population cohorts (gnomAD); In silico analysis supports that this missense variant has a deleterious effect on protein structure/function; Observed in an individual with microsatellite unstable synchronous colorectal cancers and adenomas (Hanninen 2019); This variant is associated with the following publications: (PMID: 30894686)

Blueprint Genetics
Classification: Uncertain significance. Last evaluated: 2022-01-13. Review status: criteria provided, single submitter. Criteria: ACMG Guidelines, 2015. Collection method: clinical testing. Allele origin: germline.